The following is an entry in ClinVar:

NM_001010867.4(IBA57):c.257_260del (p.Ala86fs)

Gene: IBA57 (iron-sulfur cluster assembly factor IBA57; plus strand). Cytogenetic location: 1q42.13.
Variant type: Deletion.
Coding change: c.257_260del on transcript NM_001010867.4 (MANE Select); coding-DNA positions 257 to 260, 4 bases deleted (CGGG; older notation c.257_260delCGGG).
Protein change: p.Ala86fs; shifts the reading frame from alanine 86.
Molecular consequence: frameshift variant.
Genome position (GRCh38, 1-based): chr1:228,166,073-228,166,076, CGGG deleted; deleting any 4 consecutive bases within chr1:228,166,072-228,166,076 gives the same sequence; the c. name uses the placement nearest the transcript's 3' end. VCF-style (leftmost placement, unchanged base first): chr1-228166071-CGCGG-C. GRCh37 (hg19) VCF-style: chr1-228353772-CGCGG-C.
Other names: c.257_260delCGGG (NM_001010867.2); short protein forms A86fs.
Identifiers: ClinVar variation 817492 (VCV000817492.4), dbSNP rs1002617439, ClinGen allele CA38736586.

ClinVar aggregate classification (germline): Likely pathogenic (1 of 4 stars; one submission).

Submission:

GeneDx
Classification: Likely pathogenic. Last evaluated: 2022-05-19. Review status: criteria provided, single submitter. Criteria: GeneDx Variant Classification Process June 2021. Collection method: clinical testing. Allele origin: germline. Affected: yes.
Comment: Frameshift variant predicted to result in protein truncation or nonsense mediated decay in a gene for which loss-of-function is a known mechanism of disease; Not observed at a significant frequency in large population cohorts (gnomAD); Has not been previously published as pathogenic or benign to our knowledge